The following is an entry in ClinVar:

ClinVar aggregate classification (germline): Likely benign (1 of 4 stars; one submission).

Allele frequency attached by ClinVar (database versions not stated): gnomAD exomes 0.00010; gnomAD 0.00013 and 0.00009; 1000 Genomes Project 0.00080; 1000 Genomes Project 30x 0.00062; ESP Exome Variant Server 0.00008; TOPMed 0.00008; ExAC 0.00013.
gnomAD v4.1: 212 of 1,613,734 alleles (0.013%); highest among the groups gnomAD compares: East Asian, 0.25%; 2 homozygotes.

Submission:

CeGaT Center for Human Genetics Tuebingen
Classification: Likely benign. Last evaluated: 2024-04-01. Review status: criteria provided, single submitter. Criteria: CeGaT Center For Human Genetics Tuebingen Variant Classification Criteria Version 2. Collection method: clinical testing. Allele origin: germline. Affected: yes. Observed: 2 variant alleles.
Comment: INSRR: BP4, BP7

NM_014215.3(INSRR):c.3265T>C (p.Leu1089=)

Genes: NTRK1 (neurotrophic receptor tyrosine kinase 1; plus strand), INSRR (insulin receptor related receptor; minus strand). Cytogenetic location: 1q23.1.
Variant type: single nucleotide variant.
Coding change: c.3265T>C on transcript NM_014215.3 (MANE Select); coding-DNA position 3265, T replaced by C.
Protein change: p.Leu1089=; no amino-acid change (leucine 1089 retained).
Molecular consequence: synonymous variant. On other transcripts: intron variant (1).
Genome position (GRCh38, 1-based): chr1:156,842,244, A>G on the plus strand (T>C on the coding strand, the complement: INSRR is on the minus strand). VCF-style: chr1-156842244-A-G. GRCh37 (hg19) VCF-style: chr1-156812036-A-G.
Other names: c.122+51A>G (NM_001007792.1).
Identifiers: ClinVar variation 1176837 (VCV001176837.34), dbSNP rs150557473, ClinGen allele CA1167740.